The following is an entry in ClinVar:

NM_000393.5(COL5A2):c.2089G>C (p.Val697Leu)

Gene: COL5A2 (collagen type V alpha 2 chain; minus strand). Cytogenetic location: 2q32.2.
Variant type: single nucleotide variant.
Coding change: c.2089G>C on transcript NM_000393.5 (MANE Select); coding-DNA position 2089, G replaced by C.
Protein change: p.Val697Leu; replaces valine 697 with leucine.
Molecular consequence: missense variant.
Genome position (GRCh38, 1-based): chr2:189,058,890, C>G on the plus strand (G>C on the coding strand, the complement: COL5A2 is on the minus strand). VCF-style: chr2-189058890-C-G. GRCh37 (hg19) VCF-style: chr2-189923616-C-G.
Other names: short protein forms V697L.
Identifiers: ClinVar variation 3644241 (VCV003644241.2).

ClinVar aggregate classification (germline): Uncertain significance (1 of 4 stars; one submission).

Conditions:
Ehlers-Danlos syndrome, classic type, 1 (EDSCL1). Also called: EHLERS-DANLOS SYNDROME, GRAVIS TYPE; EHLERS-DANLOS SYNDROME, SEVERE CLASSIC TYPE; Ehlers-Danlos syndrome, type 1; Ehlers-Danlos Syndrome, Classic Type, COL5A1-Related; EDS I. Identifiers: MedGen C0268335, MONDO:0019567, OMIM 130000.

Submission:

Labcorp Genetics (formerly Invitae), Labcorp
Classification: Uncertain significance for Ehlers-Danlos syndrome, classic type, 1. Last evaluated: 2024-03-12. Review status: criteria provided, single submitter. Criteria: Invitae Variant Classification Sherloc (09022015). Collection method: clinical testing. Allele origin: germline.
Comment: This sequence change replaces valine, which is neutral and non-polar, with leucine, which is neutral and non-polar, at codon 697 of the COL5A2 protein (p.Val697Leu). This variant is not present in population databases (gnomAD no frequency). This variant has not been reported in the literature in individuals affected with COL5A2-related conditions. Advanced modeling of protein sequence and biophysical properties (such as structural, functional, and spatial information, amino acid conservation, physicochemical variation, residue mobility, and thermodynamic stability) performed at Invitae indicates that this missense variant is not expected to disrupt COL5A2 protein function with a negative predictive value of 95%. In summary, the available evidence is currently insufficient to determine the role of this variant in disease. Therefore, it has been classified as a Variant of Uncertain Significance.